The following is an entry in ClinVar:

NM_000064.4(C3):c.1964C>T (p.Ala655Val)

Gene: C3 (complement C3; minus strand). Cytogenetic location: 19p13.3.
Variant type: single nucleotide variant.
Coding change: c.1964C>T on transcript NM_000064.4 (MANE Select); coding-DNA position 1964, C replaced by T.
Protein change: p.Ala655Val; replaces alanine 655 with valine.
Molecular consequence: missense variant.
Genome position (GRCh38, 1-based): chr19:6,707,811, G>A on the plus strand (C>T on the coding strand, the complement: C3 is on the minus strand). VCF-style: chr19-6707811-G-A. GRCh37 (hg19) VCF-style: chr19-6707822-G-A.
Other names: short protein forms A655V.
Identifiers: ClinVar variation 3584144 (VCV003584144.3).

ClinVar aggregate classification (germline): Uncertain significance. Review status: criteria provided, multiple submitters, no conflicts (2 of 4 stars). 2 submissions from 2 submitters: Uncertain significance (2). Last evaluated 2025-07-14.

Conditions:
Atypical hemolytic-uremic syndrome with C3 anomaly. Also called: AHUS, SUSCEPTIBILITY TO, 5. Identifiers: Orphanet 2134, MedGen C2752037, MONDO:0013043, OMIM 612925.
Age related macular degeneration 9. Identifiers: MedGen C1969651, MONDO:0012659, OMIM 611378.
Complement component 3 deficiency. Identifiers: Orphanet 280133, MedGen C3151071, MONDO:0013417, OMIM 613779.

gnomAD v4.1: 2 of 1,613,634 alleles (0.00012%); highest among the groups gnomAD compares: Admixed American, 0.0033%; no homozygotes.

Submissions (2):

Labcorp Genetics (formerly Invitae), Labcorp
Classification: Uncertain significance. Last evaluated: 2025-07-14. Review status: criteria provided, single submitter. Criteria: Invitae Variant Classification Sherloc (09022015). Collection method: clinical testing. Allele origin: germline.
Comment: This sequence change replaces alanine, which is neutral and non-polar, with valine, which is neutral and non-polar, at codon 655 of the C3 protein (p.Ala655Val). This variant is present in population databases (rs746085258, gnomAD 0.006%). This variant has not been reported in the literature in individuals affected with C3-related conditions. ClinVar contains an entry for this variant (Variation ID: 3584144). Invitae Evidence Modeling of protein sequence and biophysical properties (such as structural, functional, and spatial information, amino acid conservation, physicochemical variation, residue mobility, and thermodynamic stability) indicates that this missense variant is not expected to disrupt C3 protein function with a negative predictive value of 80%. In summary, the available evidence is currently insufficient to determine the role of this variant in disease. Therefore, it has been classified as a Variant of Uncertain Significance.

Fulgent Genetics
Classification: Uncertain significance for Age related macular degeneration 9; Atypical hemolytic-uremic syndrome with C3 anomaly; Complement component 3 deficiency. Last evaluated: 2024-01-13. Review status: criteria provided, single submitter. Criteria: ACMG Guidelines, 2015. Collection method: clinical testing. Allele origin: germline.